The following is an entry in ClinVar:

ClinVar aggregate classification (germline): Pathogenic (1 of 4 stars; one submission).

Submission:

Illumina Laboratory Services, Illumina
Classification: Pathogenic. Last evaluated: 2021-07-30. Review status: criteria provided, single submitter. Criteria: ICSL CNVClassificationCriteria Aug2020. Collection method: clinical testing. Allele origin: unknown.
Comment: This CNV is a 1.4 Mb duplication of 17p12 on chromosome 17, (seq[GRCh37]dup(17)(p12); chr17:g.14073284_15442296dup). This event overlaps the well-described 17p12 duplication associated with autosomal dominant Charcot-Marie-Tooth disease, type 1A (CMT1A) and encompasses the following protein coding genes: TVP23C, TVP23C-CDRT4, CDRT15, TEKT3, PMP22, CDRT4, HS3ST3B1 and COX10. The 17p12 region is susceptible to rearrangements due to low copy repeats, referred to as the proximal CMT1A-REP and distal CMT1A-REP (Salpietro et al. 2018). This event fully encompasses the PMP22 gene, which has been identified as the main candidate underlying CMT1A. PMP22 encodes the peripheral myelin protein 22 which is associated with myelin organization in the peripheral nervous system (Li et al. 2013; Harel and Lupski 2014). Tandem duplications of approximately 1.4 Mb at 17p12 have been described in many individuals with CMT1A across different countries and ethnicities (Marques et al. 2005; Saporta et al. 2011). This event is absent from healthy controls (MacDonald et al. 2014). Based on the collective evidence, this CNV is classified as pathogenic.

Literature cited by the submitters: PubMed 15765265; PubMed 21280073; PubMed 23224996; PubMed 24174537; PubMed 24697164; PubMed 30258273.

GRCh37/hg19 17p12(chr17:14073284-15442296)x3

Genes: CDRT15 (CMT1A duplicated region transcript 15; minus strand), CDRT4 (CMT1A duplicated region transcript 4; minus strand), COX10 (cytochrome c oxidase assembly factor heme A:farnesyltransferase COX10; plus strand), HS3ST3B1 (heparan sulfate-glucosamine 3-sulfotransferase 3B1; plus strand), PMP22 (peripheral myelin protein 22; minus strand) and 3 more. Cytogenetic location: 17p12.
Variant type: copy number gain.
Change: copy number 3 (three copies instead of two) of chr17:14,073,284-15,442,296 (1.37 Mb, GRCh37 coordinates, 1-based), cytogenetic band 17p12.
Identifiers: ClinVar variation 1328101 (VCV001328101.4).